The following is an entry in ClinVar:

NM_001148.6(ANK2):c.1580C>T (p.Thr527Ile)

Gene: ANK2 (ankyrin 2; plus strand). Cytogenetic location: 4q26.
Variant type: single nucleotide variant.
Coding change: c.1580C>T on transcript NM_001148.6 (MANE Select); coding-DNA position 1580, C replaced by T.
Protein change: p.Thr527Ile; replaces threonine 527 with isoleucine.
Molecular consequence: missense variant.
Genome position (GRCh38, 1-based): chr4:113,274,546, C>T. VCF-style: chr4-113274546-C-T. GRCh37 (hg19) VCF-style: chr4-114195702-C-T.
Other names: c.1580C>T, p.Thr527Ile (NM_001354228.2, NM_001354246.2, NM_001354232.2 and 8 more transcripts); c.1625C>T, p.Thr542Ile (NM_001354230.2, NM_001354231.2, NM_001354237.2 and 5 more transcripts); c.1517C>T, p.Thr506Ile (NM_001354252.2, NM_001354253.2, NM_001354254.2 and 14 more transcripts); c.1493C>T, p.Thr498Ile (NM_001354274.2, NM_001354249.2, NM_001354271.2 and 13 more transcripts); c.1382C>T, p.Thr461Ile (NM_001354273.2); c.1295C>T, p.Thr432Ile (NM_001354277.2, NM_001386157.1, NM_001386158.1); c.1538C>T, p.Thr513Ile (NM_001386160.1, NM_001354261.2, NM_001386147.1); c.1631C>T, p.Thr544Ile (NM_001386174.1); and 4 more; short protein forms T498I, T506I, T457I, T461I, T515I, T523I, T527I, T536I.
Identifiers: ClinVar variation 2822046 (VCV002822046.3), dbSNP rs2153688481, ClinGen allele CA357907387.

ClinVar aggregate classification (germline): Uncertain significance (1 of 4 stars; one submission).

Conditions:
Long QT syndrome (LQTS). Identifiers: MedGen C0023976, MeSH D008133, MONDO:0002442. Disease mechanism: loss of function. Inheritance: Various modes of inheritance.

Submission:

Labcorp Genetics (formerly Invitae), Labcorp
Classification: Uncertain significance for Long QT syndrome. Last evaluated: 2023-03-27. Review status: criteria provided, single submitter. Criteria: Invitae Variant Classification Sherloc (09022015). Collection method: clinical testing. Allele origin: germline.
Comment: In summary, the available evidence is currently insufficient to determine the role of this variant in disease. Therefore, it has been classified as a Variant of Uncertain Significance. Advanced modeling of protein sequence and biophysical properties (such as structural, functional, and spatial information, amino acid conservation, physicochemical variation, residue mobility, and thermodynamic stability) performed at Invitae indicates that this missense variant is expected to disrupt ANK2 protein function. This variant has not been reported in the literature in individuals affected with ANK2-related conditions. This variant is not present in population databases (gnomAD no frequency). This sequence change replaces threonine, which is neutral and polar, with isoleucine, which is neutral and non-polar, at codon 527 of the ANK2 protein (p.Thr527Ile).